The following is an entry in ClinVar:

ClinVar aggregate classification (germline): Uncertain significance (1 of 4 stars; one submission).

Conditions:
Candidiasis, familial, 9 (CANDF9). Identifiers: Orphanet 1334, MedGen C4225324, MONDO:0014642, OMIM 616445.

Submission:

Labcorp Genetics (formerly Invitae), Labcorp
Classification: Uncertain significance for Candidiasis, familial, 9. Last evaluated: 2024-04-18. Review status: criteria provided, single submitter. Criteria: Invitae Variant Classification Sherloc (09022015). Collection method: clinical testing. Allele origin: germline.
Comment: This sequence change replaces glycine, which is neutral and non-polar, with glutamic acid, which is acidic and polar, at codon 782 of the IL17RC protein (p.Gly782Glu). The frequency data for this variant in the population databases is considered unreliable, as metrics indicate poor data quality at this position in the gnomAD database. This variant has not been reported in the literature in individuals affected with IL17RC-related conditions. Experimental studies and prediction algorithms are not available or were not evaluated, and the functional significance of this variant is currently unknown. In summary, the available evidence is currently insufficient to determine the role of this variant in disease. Therefore, it has been classified as a Variant of Uncertain Significance.

NM_153460.4(IL17RC):c.2132_2133delinsAG (p.Gly711Glu)

Genes: IL17RC (interleukin 17 receptor C; plus strand), LOC129936144 (ATAC-STARR-seq lymphoblastoid silent region 14051; plus strand). Cytogenetic location: 3p25.3.
Variant type: Indel.
Coding change: c.2132_2133delinsAG on transcript NM_153460.4 (MANE Select); coding-DNA positions 2132 to 2133, GC replaced by AG.
Protein change: p.Gly711Glu; replaces glycine 711 with glutamic acid.
Molecular consequence: missense variant. On other transcripts: non-coding transcript variant (1).
Genome position (GRCh38, 1-based): chr3:9,933,562-9,933,563, GC replaced by AG. VCF-style: chr3-9933562-GC-AG. GRCh37 (hg19) VCF-style: chr3-9975246-GC-AG.
Other names: c.2093_2094delinsAG, p.Gly698Glu (NM_001203263.2); c.2042_2043delinsAG, p.Gly681Glu (NM_001203264.2); c.2036_2037delinsAG, p.Gly679Glu (NM_001203265.2); c.2054_2055delinsAG, p.Gly685Glu (NM_001367278.1); c.1973_1974delinsAG, p.Gly658Glu (NM_001367279.1); c.2048_2049delinsAG, p.Gly683Glu (NM_001367280.1); c.1997_1998delinsAG, p.Gly666Glu (NM_001410711.1); c.2087_2088delinsAG, p.Gly696Glu (NM_032732.6); and 1 more; short protein forms G658E, G666E, G679E, G681E, G683E, G685E, G696E, G698E.
Identifiers: ClinVar variation 3623592 (VCV003623592.2).
Genomic context (GRCh38, chr3:9,933,562, plus strand): 5'-CCCTGGATAGCTACTTCCATCCCCCGGGGACTCCCGCGCCGGGACGCGGGGTGGGACCAG[GC>AG]GCGGGACCTGGGGCGGGGGACGGGACTTAAATAAAGGCAGACGCTGTTTTTCTACCCATG-3'
Protein context (NP_703190.2, residues 701-720): TPAPGRGVGP[Gly711Glu]AGPGAGDGT